The following is an entry in ClinVar:

NM_005921.2(MAP3K1):c.2886C>G (p.Pro962=)

Gene: MAP3K1 (mitogen-activated protein kinase kinase kinase 1; plus strand). Cytogenetic location: 5q11.2.
Variant type: single nucleotide variant.
Coding change: c.2886C>G on transcript NM_005921.2 (MANE Select); coding-DNA position 2886, C replaced by G.
Protein change: p.Pro962=; no amino-acid change (proline 962 retained).
Molecular consequence: synonymous variant.
Genome position (GRCh38, 1-based): chr5:56,882,086, C>G. VCF-style: chr5-56882086-C-G. GRCh37 (hg19) VCF-style: chr5-56177913-C-G.
Identifiers: ClinVar variation 766965 (VCV000766965.34), dbSNP rs201198197, ClinGen allele CA3273083.

ClinVar aggregate classification (germline): Benign/Likely benign. Review status: criteria provided, multiple submitters, no conflicts (2 of 4 stars). 6 submissions from 6 submitters: Benign (2); Likely benign (3). 1 of the submissions does not count toward it. Last evaluated 2026-01-05.

Conditions:
Inborn genetic diseases. Identifiers: MedGen C0950123, MeSH D030342.
46,XY sex reversal 6. Also called: 46,XY SEX REVERSAL, PARTIAL OR COMPLETE, MAP3K1-RELATED; 46,XY GONADAL DYSGENESIS, PARTIAL OR COMPLETE, MAP3K1-RELATED. Identifiers: MedGen C3151064, MONDO:0013410, OMIM 613762.

Allele frequency attached by ClinVar (database versions not stated): 1000 Genomes Project 0.00100; 1000 Genomes Project 30x 0.00125; ESP Exome Variant Server 0.00231; ExAC 0.00244; TOPMed 0.00279; gnomAD 0.00284.
gnomAD v4.1: 5,864 of 1,614,098 alleles (0.36%); highest among the groups gnomAD compares: Non-Finnish European, 0.45%; 14 homozygotes.

Submissions (6):

Labcorp Genetics (formerly Invitae), Labcorp
Classification: Benign for 46,XY sex reversal 6. Last evaluated: 2026-01-05. Review status: criteria provided, single submitter. Criteria: Invitae Variant Classification Sherloc (09022015). Collection method: clinical testing. Allele origin: germline.

Blueprint Genetics
Classification: Likely benign. Last evaluated: 2024-11-26. Review status: criteria provided, single submitter. Criteria: ACMG Guidelines, 2015. Collection method: clinical testing. Allele origin: germline.

Ambry Genetics
Classification: Likely benign for Inborn genetic diseases. Last evaluated: 2024-11-14. Review status: criteria provided, single submitter. Criteria: Ambry Variant Classification Scheme 2023. Collection method: clinical testing. Allele origin: germline.

CeGaT Center for Human Genetics Tuebingen
Classification: Likely benign. Last evaluated: 2024-11-01. Review status: criteria provided, single submitter. Criteria: CeGaT Center For Human Genetics Tuebingen Variant Classification Criteria Version 2. Collection method: clinical testing. Allele origin: germline. Affected: yes. Observed: 3 variant alleles.
Comment: MAP3K1: BP4, BS2

Breakthrough Genomics
Classification: Benign. Review status: criteria provided, single submitter. Criteria: ACMG Guidelines, 2015. Collection method: not provided. Allele origin: germline. Inheritance: Autosomal dominant inheritance. Affected: yes.

Genetic Services Laboratory, University of Chicago
Classification: Likely benign. Last evaluated: 2022-09-01. Review status: no assertion criteria provided. Collection method: clinical testing. Allele origin: germline. Affected: no. Not counted in ClinVar's aggregate classification.